The following is an entry in ClinVar:

ClinVar aggregate classification (germline): Pathogenic/Likely pathogenic. Review status: criteria provided, multiple submitters, no conflicts (2 of 4 stars). 2 submissions from 2 submitters: Pathogenic (1); Likely pathogenic (1). Last evaluated 2025-03-10.

Conditions:
Fanconi anemia (FA). Also called: Fanconi's anemia. Identifiers: Orphanet 84, MedGen C0015625, MeSH D005199, MONDO:0019391.

Allele frequency attached by ClinVar (database versions not stated): gnomAD exomes below 0.00001.

Submissions (2):

Natera, Inc.
Classification: Likely pathogenic for Fanconi anemia. Last evaluated: 2025-03-10. Review status: criteria provided, single submitter. Criteria: Natera Variant Classification Schema (03/2026). Collection method: clinical testing. Allele origin: germline.
Comment: The c.2564del variant in FANCA is a frameshift variant predicted to shift the reading frame beginning at codon 855 and leads to a stop codon 34 codons downstream. This variant is expected to result in nonsense mediated decay, truncation, or a dysfunctional protein product. This variant is rare in the general population with a frequency below the threshold expected for the associated phenotype(s). Given the available evidence, this variant is classified as Likely Pathogenic.

Labcorp Genetics (formerly Invitae), Labcorp
Classification: Pathogenic for Fanconi anemia. Last evaluated: 2021-09-14. Review status: criteria provided, single submitter. Criteria: Invitae Variant Classification Sherloc (09022015). Collection method: clinical testing. Allele origin: germline.
Comment: This sequence change creates a premature translational stop signal (p.Thr855Ilefs*34) in the FANCA gene. It is expected to result in an absent or disrupted protein product. Loss-of-function variants in FANCA are known to be pathogenic (PMID: 19367192). This variant is not present in population databases (ExAC no frequency). This variant has not been reported in the literature in individuals affected with FANCA-related conditions. For these reasons, this variant has been classified as Pathogenic.

Literature cited by the submitters: PubMed 19367192 (cited by Labcorp Genetics (formerly Invitae), Labcorp).

NM_000135.4(FANCA):c.2564del (p.Thr855fs)

Gene: FANCA (FA complementation group A; minus strand). Cytogenetic location: 16q24.3.
Variant type: Deletion.
Coding change: c.2564del on transcript NM_000135.4 (MANE Select); coding-DNA position 2564, one base deleted (C; older notation c.2564delC).
Protein change: p.Thr855fs; shifts the reading frame from threonine 855.
Molecular consequence: frameshift variant.
Genome position (GRCh38, 1-based): chr16:89,767,178, G deleted on the plus strand (C on the coding strand, the reverse complement: FANCA is on the minus strand). VCF-style (leftmost placement, unchanged base first): chr16-89767177-AG-A. GRCh37 (hg19) VCF-style: chr16-89833585-AG-A.
Other names: c.2564del (NM_000135.3); c.2564del, p.Thr855fs (NM_001286167.3); short protein forms T855fs.
Identifiers: ClinVar variation 1455862 (VCV001455862.8), dbSNP rs2143308216, ClinGen allele CA2573152897.